The following is an entry in ClinVar:

ClinVar aggregate classification (germline): Uncertain significance (1 of 4 stars; one submission).

Allele frequency attached by ClinVar (database versions not stated): gnomAD exomes below 0.00001; ExAC 0.00001; gnomAD 0.00001; 1000 Genomes Project 0.00020; 1000 Genomes Project 30x 0.00031.
gnomAD v4.1: 3 of 1,613,966 alleles (0.00019%); highest among the groups gnomAD compares: Admixed American, 0.0017%; no homozygotes.

Submission:

Labcorp Genetics (formerly Invitae), Labcorp
Classification: Uncertain significance. Last evaluated: 2024-04-16. Review status: criteria provided, single submitter. Criteria: Invitae Variant Classification Sherloc (09022015). Collection method: clinical testing. Allele origin: germline.
Comment: This sequence change replaces glycine, which is neutral and non-polar, with glutamic acid, which is acidic and polar, at codon 1102 of the COL11A1 protein (p.Gly1102Glu). This variant is present in population databases (rs533762144, gnomAD 0.0009%). This variant has not been reported in the literature in individuals affected with COL11A1-related conditions. ClinVar contains an entry for this variant (Variation ID: 1352294). Advanced modeling of protein sequence and biophysical properties (such as structural, functional, and spatial information, amino acid conservation, physicochemical variation, residue mobility, and thermodynamic stability) performed at Invitae indicates that this missense variant is expected to disrupt COL11A1 protein function with a positive predictive value of 80%. In summary, the available evidence is currently insufficient to determine the role of this variant in disease. Therefore, it has been classified as a Variant of Uncertain Significance.

NM_001854.4(COL11A1):c.3305G>A (p.Gly1102Glu)

Gene: COL11A1 (collagen type XI alpha 1 chain; minus strand). Cytogenetic location: 1p21.1.
Variant type: single nucleotide variant.
Coding change: c.3305G>A on transcript NM_001854.4 (MANE Select); coding-DNA position 3305, G replaced by A.
Protein change: p.Gly1102Glu; replaces glycine 1102 with glutamic acid.
Molecular consequence: missense variant. On other transcripts: non-coding transcript variant (1).
Genome position (GRCh38, 1-based): chr1:102,940,406, C>T on the plus strand (G>A on the coding strand, the complement: COL11A1 is on the minus strand). VCF-style: chr1-102940406-C-T. GRCh37 (hg19) VCF-style: chr1-103405962-C-T.
Other names: c.3188G>A, p.Gly1063Glu (NM_001190709.2); c.3341G>A, p.Gly1114Glu (NM_080629.3); c.2957G>A, p.Gly986Glu (NM_080630.4); short protein forms G1114E, G986E, G1102E, G1063E.
Identifiers: ClinVar variation 1352294 (VCV001352294.6), dbSNP rs533762144, ClinGen allele CA974061.